The following is an entry in ClinVar:

ClinVar aggregate classification (germline): Uncertain significance (1 of 4 stars; one submission).

gnomAD v4.1: 17 of 1,562,408 alleles (0.0011%); highest among the groups gnomAD compares: Middle Eastern, 0.022%; no homozygotes.

Submission:

Mayo Clinic Laboratories, Mayo Clinic
Classification: Uncertain significance. Last evaluated: 2024-05-29. Review status: criteria provided, single submitter. Criteria: ACMG Guidelines, 2015. Collection method: clinical testing. Allele origin: germline. Observed: 1 variant allele.
Comment: PM2_moderate

NM_000174.5(GP9):c.490C>T (p.Leu164Phe)

Gene: GP9 (glycoprotein IX platelet; plus strand). Cytogenetic location: 3q21.3.
Variant type: single nucleotide variant.
Coding change: c.490C>T on transcript NM_000174.5 (MANE Select); coding-DNA position 490, C replaced by T.
Protein change: p.Leu164Phe; replaces leucine 164 with phenylalanine.
Molecular consequence: missense variant.
Genome position (GRCh38, 1-based): chr3:129,062,229, C>T. VCF-style: chr3-129062229-C-T. GRCh37 (hg19) VCF-style: chr3-128781072-C-T.
Other names: p.Leu164Phe; short protein forms L164F.
Identifiers: ClinVar variation 3379491 (VCV003379491.1).